The following is an entry in ClinVar:

NM_000083.3(CLCN1):c.1517T>G (p.Phe506Cys)

Gene: CLCN1 (chloride voltage-gated channel 1; plus strand). Cytogenetic location: 7q34.
Variant type: single nucleotide variant.
Coding change: c.1517T>G on transcript NM_000083.3 (MANE Select); coding-DNA position 1517, T replaced by G.
Protein change: p.Phe506Cys; replaces phenylalanine 506 with cysteine.
Molecular consequence: missense variant. On other transcripts: non-coding transcript variant (1).
Genome position (GRCh38, 1-based): chr7:143,339,556, T>G. VCF-style: chr7-143339556-T-G. GRCh37 (hg19) VCF-style: chr7-143036649-T-G.
Other names: short protein forms F506C.
Identifiers: ClinVar variation 665258 (VCV000665258.7), dbSNP rs1271778777, ClinGen allele CA369645705.

ClinVar aggregate classification (germline): Uncertain significance (1 of 4 stars; one submission).

Conditions:
Congenital myotonia, autosomal dominant form (THD). Also called: THOMSEN DISEASE; Myotonia congenita autosomal dominant. Identifiers: Orphanet 614, MedGen C2936781, MONDO:0008055, OMIM 160800.
Congenital myotonia, autosomal recessive form. Also called: BECKER DISEASE; Becker Generalized Myotonia; myotonia congenita, autosomal recessive. Identifiers: Orphanet 614, MedGen C0751360, MONDO:0009715, OMIM 255700.

Allele frequency attached by ClinVar (database versions not stated): TOPMed 0.00001.
gnomAD v4.1: 6 of 1,614,040 alleles (0.00037%); 1 homozygote.

Submission:

Labcorp Genetics (formerly Invitae), Labcorp
Classification: Uncertain significance for Congenital myotonia, autosomal recessive form; Congenital myotonia, autosomal dominant form. Last evaluated: 2025-11-16. Review status: criteria provided, single submitter. Criteria: Invitae Variant Classification Sherloc (09022015). Collection method: clinical testing. Allele origin: germline.
Comment: This sequence change replaces phenylalanine, which is neutral and non-polar, with cysteine, which is neutral and slightly polar, at codon 506 of the CLCN1 protein (p.Phe506Cys). This variant is not present in population databases (gnomAD no frequency). This missense change has been observed in individual(s) with clinical features of CLCN1-related conditions (internal data). ClinVar contains an entry for this variant (Variation ID: 665258). Invitae Evidence Modeling of protein sequence and biophysical properties (such as structural, functional, and spatial information, amino acid conservation, physicochemical variation, residue mobility, and thermodynamic stability) indicates that this missense variant is expected to disrupt CLCN1 protein function with a positive predictive value of 95%. In summary, the available evidence is currently insufficient to determine the role of this variant in disease. Therefore, it has been classified as a Variant of Uncertain Significance.